The following is an entry in ClinVar:

NM_001349253.2(SCN11A):c.810A>G (p.Val270=)

Gene: SCN11A (sodium voltage-gated channel alpha subunit 11; minus strand). Cytogenetic location: 3p22.2.
Variant type: single nucleotide variant.
Coding change: c.810A>G on transcript NM_001349253.2 (MANE Select); coding-DNA position 810, A replaced by G.
Protein change: p.Val270=; no amino-acid change (valine 270 retained).
Molecular consequence: synonymous variant.
Genome position (GRCh38, 1-based): chr3:38,921,158, T>C on the plus strand (A>G on the coding strand, the complement: SCN11A is on the minus strand). VCF-style: chr3-38921158-T-C. GRCh37 (hg19) VCF-style: chr3-38962649-T-C.
Other names: c.810A>G, p.Val270= (NM_014139.3).
Identifiers: ClinVar variation 2938926 (VCV002938926.3), dbSNP rs2470632010, ClinGen allele CA433142153.

ClinVar aggregate classification (germline): Uncertain significance (1 of 4 stars; one submission).

Conditions:
Hereditary sensory and autonomic neuropathy type 7. Also called: HSAN VII; Neuropathy, hereditary sensory and autonomic, type VII. Identifiers: Orphanet 391397, MedGen C3809882, MONDO:0014244, OMIM 615548.
Familial episodic pain syndrome with predominantly lower limb involvement. Also called: Episodic pain syndrome, familial, 3. Identifiers: Orphanet 391384, Orphanet 391392, MedGen C3809899, MONDO:0014247, OMIM 615552.

Allele frequency attached by ClinVar (database versions not stated): gnomAD exomes below 0.00001.
gnomAD v4.1: 1 of 1,614,098 alleles (0.000062%); highest among the groups gnomAD compares: Non-Finnish European, 0.000085%; no homozygotes.

Submission:

Labcorp Genetics (formerly Invitae), Labcorp
Classification: Uncertain significance for Familial episodic pain syndrome with predominantly lower limb involvement; Hereditary sensory and autonomic neuropathy type 7. Last evaluated: 2023-06-21. Review status: criteria provided, single submitter. Criteria: Invitae Variant Classification Sherloc (09022015). Collection method: clinical testing. Allele origin: germline.
Comment: This sequence change affects codon 270 of the SCN11A mRNA. It is a 'silent' change, meaning that it does not change the encoded amino acid sequence of the SCN11A protein. This variant is not present in population databases (gnomAD no frequency). This variant has not been reported in the literature in individuals affected with SCN11A-related conditions. Algorithms developed to predict the effect of sequence changes on RNA splicing suggest that this variant may disrupt the consensus splice site. In summary, the available evidence is currently insufficient to determine the role of this variant in disease. Therefore, it has been classified as a Variant of Uncertain Significance.